The following is an entry in ClinVar:

ClinVar aggregate classification (germline): Uncertain significance (1 of 4 stars; one submission).

Submission:

Labcorp Genetics (formerly Invitae), Labcorp
Classification: Uncertain significance. Last evaluated: 2025-02-10. Review status: criteria provided, single submitter. Criteria: Invitae Variant Classification Sherloc (09022015). Collection method: clinical testing. Allele origin: germline.
Comment: This sequence change creates a premature translational stop signal (p.Val474Lysfs*13) in the KANK1 gene. It is expected to result in an absent or disrupted protein product. However, the current clinical and genetic evidence is not sufficient to establish whether loss-of-function variants in KANK1 cause disease. This variant is not present in population databases (gnomAD no frequency). This variant has not been reported in the literature in individuals affected with KANK1-related conditions. In summary, the available evidence is currently insufficient to determine the role of this variant in disease. Therefore, it has been classified as a Variant of Uncertain Significance.

NM_015158.5(KANK1):c.1417_1418dup (p.Val474fs)

Gene: KANK1 (KN motif and ankyrin repeat domains 1; plus strand). Cytogenetic location: 9p24.3.
Variant type: Duplication.
Coding change: c.1417_1418dup on transcript NM_015158.5 (MANE Select); coding-DNA positions 1417 to 1418, 2 bases duplicated (GA; older notation c.1417_1418dupGA).
Protein change: p.Val474fs; shifts the reading frame from valine 474.
Molecular consequence: frameshift variant. On other transcripts: non-coding transcript variant (1).
Genome position (GRCh38, 1-based): chr9:712,183-712,184, GA duplicated; duplicating any 2 consecutive bases within chr9:712,182-712,184 gives the same sequence; the c. name uses the placement nearest the transcript's 3' end. VCF-style (leftmost placement, unchanged base first): chr9-712181-T-TAG. GRCh37 (hg19) VCF-style: chr9-712181-T-TAG.
Other names: c.1417_1418dup, p.Val474fs (NM_001256876.3, NM_001256877.3, NM_001354331.2 and 3 more transcripts); c.943_944dup, p.Val316fs (NM_001354333.2, NM_001354335.2, NM_001354336.2 and 10 more transcripts); short protein forms V316fs, V474fs.
Identifiers: ClinVar variation 4811773 (VCV004811773.1).
Genomic context (GRCh38, chr9:712,181, plus strand): 5'-ACAAAGAAATTGAGCTGCAACAGCAGACCATAGAATCCTTGAAGGAAAAGATCTATCGCC[T>TAG]AGAAGTACAGCTTAGAGAAACCACCCATGACCGGGAGATGACTAAACTGAAACAAGAGCT-3'